The following is an entry in ClinVar:

NM_001378457.1(DMXL2):c.612G>T (p.Lys204Asn)

Gene: DMXL2 (Dmx like 2; minus strand). Cytogenetic location: 15q21.2.
Variant type: single nucleotide variant.
Coding change: c.612G>T on transcript NM_001378457.1 (MANE Select); coding-DNA position 612, G replaced by T.
Protein change: p.Lys204Asn; replaces lysine 204 with asparagine.
Molecular consequence: missense variant. On other transcripts: non-coding transcript variant (2).
Genome position (GRCh38, 1-based): chr15:51,547,364, C>A on the plus strand (G>T on the coding strand, the complement: DMXL2 is on the minus strand). VCF-style: chr15-51547364-C-A. GRCh37 (hg19) VCF-style: chr15-51839561-C-A.
Other names: c.612G>T, p.Lys204Asn (NM_001174116.3, NM_001174117.3, NM_001378458.1 and 7 more transcripts); short protein forms K204N.
Identifiers: ClinVar variation 2794016 (VCV002794016.3), dbSNP rs2548643045, ClinGen allele CA392469519.
Genomic context (GRCh38, chr15:51,547,364, plus strand): 5'-AAATTGAGTAGAGGACTGTCTCCTTTTTACTTCATGATGATCCTGAGGTATAATTGAAGA[C>A]TTCCAACCAGTCATAGGATACCACACTTTCAAAAGACAATCATCCTGAAAAATACATAGG-3'
Protein context (NP_001365386.1, residues 194-214): LKVWYPMTGW[Lys204Asn]SSIIPQDHHE

ClinVar aggregate classification (germline): Uncertain significance (1 of 4 stars; one submission).

Submission:

Labcorp Genetics (formerly Invitae), Labcorp
Classification: Uncertain significance. Last evaluated: 2023-12-18. Review status: criteria provided, single submitter. Criteria: Invitae Variant Classification Sherloc (09022015). Collection method: clinical testing. Allele origin: germline.
Comment: This sequence change replaces lysine, which is basic and polar, with asparagine, which is neutral and polar, at codon 204 of the DMXL2 protein (p.Lys204Asn). This variant is not present in population databases (gnomAD no frequency). This variant has not been reported in the literature in individuals affected with DMXL2-related conditions. An algorithm developed to predict the effect of missense changes on protein structure and function (PolyPhen-2) suggests that this variant is likely to be disruptive. In summary, the available evidence is currently insufficient to determine the role of this variant in disease. Therefore, it has been classified as a Variant of Uncertain Significance.